The following is an entry in ClinVar:

NM_000081.4(LYST):c.10G>A (p.Asp4Asn)

Gene: LYST (lysosomal trafficking regulator; minus strand). Cytogenetic location: 1q42.3.
Variant type: single nucleotide variant.
Coding change: c.10G>A on transcript NM_000081.4 (MANE Select); coding-DNA position 10, G replaced by A.
Protein change: p.Asp4Asn; replaces aspartic acid 4 with asparagine.
Molecular consequence: missense variant. On other transcripts: non-coding transcript variant (1).
Genome position (GRCh38, 1-based): chr1:235,830,408, C>T on the plus strand (G>A on the coding strand, the complement: LYST is on the minus strand). VCF-style: chr1-235830408-C-T. GRCh37 (hg19) VCF-style: chr1-235993708-C-T.
Other names: c.10G>A, p.Asp4Asn (NM_001301365.1); c.10G>A (NM_000081.3); short protein forms D4N.
Identifiers: ClinVar variation 1370146 (VCV001370146.7), dbSNP rs141312203, ClinGen allele CA1467756.

ClinVar aggregate classification (germline): Uncertain significance. Review status: criteria provided, multiple submitters, no conflicts (2 of 4 stars). 2 submissions from 2 submitters: Uncertain significance (2). Last evaluated 2022-10-24.

Conditions:
Chédiak-Higashi syndrome (CHS). Also called: Chediak-Higashi Syndrome. Identifiers: Orphanet 167, MedGen C0007965, MONDO:0008963, OMIM 214500.

Allele frequency attached by ClinVar (database versions not stated): gnomAD exomes 0.00002; ExAC 0.00004; gnomAD 0.00014; ESP Exome Variant Server 0.00015; TOPMed 0.00022.
gnomAD v4.1: 49 of 1,611,656 alleles (0.003%); highest among the groups gnomAD compares: African/African-American, 0.05%; no homozygotes.

Submissions (2):

Labcorp Genetics (formerly Invitae), Labcorp
Classification: Uncertain significance for Chédiak-Higashi syndrome. Last evaluated: 2022-10-24. Review status: criteria provided, single submitter. Criteria: Invitae Variant Classification Sherloc (09022015). Collection method: clinical testing. Allele origin: germline.
Comment: This sequence change replaces aspartic acid, which is acidic and polar, with asparagine, which is neutral and polar, at codon 4 of the LYST protein (p.Asp4Asn). This variant is present in population databases (rs141312203, gnomAD 0.05%). This variant has not been reported in the literature in individuals affected with LYST-related conditions. ClinVar contains an entry for this variant (Variation ID: 1370146). Advanced modeling of protein sequence and biophysical properties (such as structural, functional, and spatial information, amino acid conservation, physicochemical variation, residue mobility, and thermodynamic stability) performed at Invitae indicates that this missense variant is not expected to disrupt LYST protein function. In summary, the available evidence is currently insufficient to determine the role of this variant in disease. Therefore, it has been classified as a Variant of Uncertain Significance.

Revvity Omics, Revvity
Classification: Uncertain significance for Chédiak-Higashi syndrome. Last evaluated: 2019-02-26. Review status: criteria provided, single submitter. Criteria: ACMG Guidelines, 2015. Collection method: clinical testing. Allele origin: germline.